The following is an entry in ClinVar:

ClinVar aggregate classification (germline): Uncertain significance (1 of 4 stars; one submission).

Allele frequency attached by ClinVar (database versions not stated): gnomAD exomes below 0.00001; gnomAD 0.00001.
gnomAD v4.1: 2 of 1,614,104 alleles (0.00012%); highest among the groups gnomAD compares: Non-Finnish European, 0.00017%; no homozygotes.

Submission:

Labcorp Genetics (formerly Invitae), Labcorp
Classification: Uncertain significance. Last evaluated: 2022-07-09. Review status: criteria provided, single submitter. Criteria: Invitae Variant Classification Sherloc (09022015). Collection method: clinical testing. Allele origin: germline.
Comment: This sequence change replaces leucine, which is neutral and non-polar, with arginine, which is basic and polar, at codon 1107 of the TRPM1 protein (p.Leu1107Arg). This variant is present in population databases (no rsID available, gnomAD 0.007%). This variant has not been reported in the literature in individuals affected with TRPM1-related conditions. Algorithms developed to predict the effect of missense changes on protein structure and function (SIFT, PolyPhen-2, Align-GVGD) all suggest that this variant is likely to be disruptive. In summary, the available evidence is currently insufficient to determine the role of this variant in disease. Therefore, it has been classified as a Variant of Uncertain Significance.

NM_001252024.2(TRPM1):c.3386T>G (p.Leu1129Arg)

Genes: TRPM1 (transient receptor potential cation channel subfamily M member 1; minus strand), TRPM1-AS1 (TRPM1 antisense RNA 1; plus strand), LOC126862088 (BRD4-independent group 4 enhancer GRCh37_chr15:31318084-31319283; plus strand). Cytogenetic location: 15q13.3.
Variant type: single nucleotide variant.
Coding change: c.3386T>G on transcript NM_001252024.2 (MANE Select); coding-DNA position 3386, T replaced by G.
Protein change: p.Leu1129Arg; replaces leucine 1129 with arginine.
Molecular consequence: missense variant.
Genome position (GRCh38, 1-based): chr15:31,027,025, A>C on the plus strand (T>G on the coding strand, the complement: TRPM1 is on the minus strand). VCF-style: chr15-31027025-A-C. GRCh37 (hg19) VCF-style: chr15-31319228-A-C.
Other names: c.3437T>G, p.Leu1146Arg (NM_001252020.2); c.3320T>G, p.Leu1107Arg (NM_002420.6); short protein forms L1129R, L1107R, L1146R.
Identifiers: ClinVar variation 1937815 (VCV001937815.2), dbSNP rs1305405882, ClinGen allele CA391542005.